The following is an entry in ClinVar:

ClinVar aggregate classification (germline): Likely pathogenic (1 of 4 stars; one submission).

Conditions:
NRROS-related disorder. Also called: NRROS-related condition.

Submission:

PreventionGenetics, part of Exact Sciences
Classification: Likely pathogenic for NRROS-related condition. Last evaluated: 2022-11-15. Review status: criteria provided, single submitter. Criteria: ACMG Guidelines, 2015. Collection method: clinical testing. Allele origin: germline.
Comment: The NRROS c.1117G>T variant is predicted to result in premature protein termination (p.Glu373*). To our knowledge, this variant has not been reported in the literature or in a large population database, indicating this variant is rare. Nonsense variants in NRROS are expected to be pathogenic. This variant is interpreted as likely pathogenic.

NM_198565.3(NRROS):c.1117G>T (p.Glu373Ter)

Gene: NRROS (negative regulator of reactive oxygen species; plus strand). Cytogenetic location: 3q29.
Variant type: single nucleotide variant.
Coding change: c.1117G>T on transcript NM_198565.3 (MANE Select); coding-DNA position 1117, G replaced by T.
Protein change: p.Glu373Ter; replaces glutamic acid 373 with a stop codon.
Molecular consequence: nonsense.
Genome position (GRCh38, 1-based): chr3:196,660,760, G>T. VCF-style: chr3-196660760-G-T. GRCh37 (hg19) VCF-style: chr3-196387631-G-T.
Other names: short protein forms E373*.
Identifiers: ClinVar variation 2636607 (VCV002636607.1), dbSNP rs1239560651, ClinGen allele CA355631861.